The following is an entry in ClinVar:

ClinVar aggregate classification (germline): Uncertain significance (1 of 4 stars; one submission).

Allele frequency attached by ClinVar (database versions not stated): gnomAD 0.00001; gnomAD exomes 0.00001.
gnomAD v4.1: 15 of 1,613,902 alleles (0.00093%); highest among the groups gnomAD compares: African/African-American, 0.004%; no homozygotes.

Submission:

Labcorp Genetics (formerly Invitae), Labcorp
Classification: Uncertain significance. Last evaluated: 2025-11-04. Review status: criteria provided, single submitter. Criteria: Invitae Variant Classification Sherloc (09022015). Collection method: clinical testing. Allele origin: germline.
Comment: This sequence change replaces arginine, which is basic and polar, with glutamine, which is neutral and polar, at codon 572 of the INTU protein (p.Arg572Gln). This variant is present in population databases (no rsID available, gnomAD 0.006%). This variant has not been reported in the literature in individuals affected with INTU-related conditions. ClinVar contains an entry for this variant (Variation ID: 2873109). Invitae Evidence Modeling of protein sequence and biophysical properties (such as structural, functional, and spatial information, amino acid conservation, physicochemical variation, residue mobility, and thermodynamic stability) indicates that this missense variant is not expected to disrupt INTU protein function with a negative predictive value of 80%. In summary, the available evidence is currently insufficient to determine the role of this variant in disease. Therefore, it has been classified as a Variant of Uncertain Significance.

NM_015693.4(INTU):c.1715G>A (p.Arg572Gln)

Gene: INTU (inturned planar cell polarity protein; plus strand). Cytogenetic location: 4q28.1.
Variant type: single nucleotide variant.
Coding change: c.1715G>A on transcript NM_015693.4 (MANE Select); coding-DNA position 1715, G replaced by A.
Protein change: p.Arg572Gln; replaces arginine 572 with glutamine.
Molecular consequence: missense variant.
Genome position (GRCh38, 1-based): chr4:127,705,739, G>A. VCF-style: chr4-127705739-G-A. GRCh37 (hg19) VCF-style: chr4-128626894-G-A.
Other names: short protein forms R572Q.
Identifiers: ClinVar variation 2873109 (VCV002873109.3), dbSNP rs1449116649, ClinGen allele CA358136376.